The following is an entry in ClinVar:

NM_023110.3(FGFR1):c.1139A>G (p.Tyr380Cys)

Gene: FGFR1 (fibroblast growth factor receptor 1; minus strand). Cytogenetic location: 8p11.23.
Variant type: single nucleotide variant.
Coding change: c.1139A>G on transcript NM_023110.3 (MANE Select); coding-DNA position 1139, A replaced by G.
Protein change: p.Tyr380Cys; replaces tyrosine 380 with cysteine.
Molecular consequence: missense variant.
Genome position (GRCh38, 1-based): chr8:38,419,678, T>C on the plus strand (A>G on the coding strand, the complement: FGFR1 is on the minus strand). VCF-style: chr8-38419678-T-C. GRCh37 (hg19) VCF-style: chr8-38277196-T-C.
Other names: c.1139A>G, p.Tyr380Cys (NM_001174063.2); c.1115A>G, p.Tyr372Cys (NM_001174064.2); c.1133A>G, p.Tyr378Cys (NM_001174065.2, NM_001354367.2, NM_001354369.2 and 1 more transcripts); c.872A>G, p.Tyr291Cys (NM_001174066.2, NM_023105.3); c.1232A>G, p.Tyr411Cys (NM_001174067.2); c.866A>G, p.Tyr289Cys (NM_001354368.2, NM_001354370.2, NM_023106.3); short protein forms Y289C, Y291C, Y372C, Y378C, Y380C, Y411C.
Identifiers: ClinVar variation 1224344 (VCV001224344.10), dbSNP rs777103792, ClinGen allele CA4718469.
Genomic context (GRCh38, chr8:38,419,678, plus strand): 5'-TTCATCTTGTAGACGATGACCGACCCCACCATGCAGGAGATGAGGAAGGCCCCTGTGCAA[T>C]AGATGATGATCTCCAGGTACAGGGGCGAGGTCATCACTGCCGGCCTCTCTTCCAGGGCTG-3'
Protein context (NP_075598.2, residues 370-390): TSPLYLEIII[Tyr380Cys]CTGAFLISCM

ClinVar aggregate classification (germline): Uncertain significance. Review status: criteria provided, multiple submitters, no conflicts (2 of 4 stars). 5 submissions from 5 submitters: Uncertain significance (5). Last evaluated 2026-06-03.

Conditions:
FGFR1-related disorder. Also called: FGFR1-related condition; FGFR1-related disorders. Identifiers: MedGen CN380097.
Hypogonadotropic hypogonadism 2 with or without anosmia (HH2). Also called: HYPOGONADOTROPIC HYPOGONADISM 2 WITHOUT ANOSMIA; HYPOGONADOTROPIC HYPOGONADISM 2 WITH OR WITHOUT ANOSMIA, SUSCEPTIBILITY TO; HYPOGONADOTROPIC HYPOGONADISM 2 WITHOUT ANOSMIA, SUSCEPTIBILITY TO; FGFR1-Related GnRH Deficiency (Kallmann Syndrome 2). Identifiers: Orphanet 478, MedGen C1563720, MONDO:0007844, OMIM 147950. Disease mechanism: loss of function.
Pfeiffer syndrome (ACS5). Also called: ACS V. Identifiers: Orphanet 710, MedGen C0220658, MONDO:0007043, OMIM 101600.
Encephalocraniocutaneous lipomatosis (ECCL). Identifiers: Orphanet 2396, MedGen C0406612, MONDO:0013074, OMIM 613001.
Hartsfield-Bixler-Demyer syndrome (HRTFDS). Also called: Holoprosencephaly, ectrodactyly, and bilateral cleft lip/palate; FGFR1-Related Hartsfield Syndrome; Hartsfield syndrome. Identifiers: Orphanet 2117, MedGen C1845146, MONDO:0014196, OMIM 615465. Disease mechanism: loss of function.
Jackson-Weiss syndrome (JWS). Also called: CRANIOSYNOSTOSIS, MIDFACIAL HYPOPLASIA, AND FOOT ABNORMALITIES. Identifiers: Orphanet 1540, MedGen C0795998, MONDO:0007400, OMIM 123150. Disease mechanism: loss of function.
Osteoglophonic dysplasia (OGD). Also called: Osteoglophonic dwarfism. Identifiers: Orphanet 2645, MedGen C0432283, MONDO:0008150, OMIM 166250.
Trigonocephaly 1 (TRIGNO1). Identifiers: Orphanet 3366, MedGen C0432122, MONDO:0008603, OMIM 190440.

Allele frequency attached by ClinVar (database versions not stated): gnomAD exomes below 0.00001 and 0.00001; ExAC 0.00001; gnomAD 0.00001 and 0.00002; TOPMed 0.00001.
gnomAD v4.1: 7 of 1,613,944 alleles (0.00043%); highest among the groups gnomAD compares: African/African-American, 0.0027%; no homozygotes.

Submissions (5):

PreventionGenetics, part of Exact Sciences
Classification: Uncertain significance for FGFR1-related condition. Last evaluated: 2026-06-03. Review status: criteria provided, single submitter. Criteria: ACMG Guidelines, 2015. Collection method: clinical testing. Allele origin: germline.
Comment: The FGFR1 c.1139A>G variant is predicted to result in the amino acid substitution p.Tyr380Cys. To our knowledge, this variant has not been reported in the literature. This variant is reported in 0.0051% of alleles in individuals of East Asian descent in gnomAD. At this time, the clinical significance of this variant is uncertain due to the absence of conclusive functional and genetic evidence.

GeneDx
Classification: Uncertain significance. Last evaluated: 2025-07-17. Review status: criteria provided, single submitter. Criteria: GeneDx Variant Classification Process June 2021. Collection method: clinical testing. Allele origin: germline. Affected: yes.
Comment: In silico analysis supports that this missense variant has a deleterious effect on protein structure/function; Has not been previously published as pathogenic or benign to our knowledge

Labcorp Genetics (formerly Invitae), Labcorp
Classification: Uncertain significance for Pfeiffer syndrome; Hypogonadotropic hypogonadism 2 with or without anosmia. Last evaluated: 2024-11-18. Review status: criteria provided, single submitter. Criteria: Invitae Variant Classification Sherloc (09022015). Collection method: clinical testing. Allele origin: germline.
Comment: This sequence change replaces tyrosine, which is neutral and polar, with cysteine, which is neutral and slightly polar, at codon 380 of the FGFR1 protein (p.Tyr380Cys). This variant is present in population databases (rs777103792, gnomAD 0.005%). This variant has not been reported in the literature in individuals affected with FGFR1-related conditions. ClinVar contains an entry for this variant (Variation ID: 1224344). Invitae Evidence Modeling of protein sequence and biophysical properties (such as structural, functional, and spatial information, amino acid conservation, physicochemical variation, residue mobility, and thermodynamic stability) has been performed for this missense variant. However, the output from this modeling did not meet the statistical confidence thresholds required to predict the impact of this variant on FGFR1 protein function. In summary, the available evidence is currently insufficient to determine the role of this variant in disease. Therefore, it has been classified as a Variant of Uncertain Significance.

Fulgent Genetics
Classification: Uncertain significance for Pfeiffer syndrome; Jackson-Weiss syndrome; Hypogonadotropic hypogonadism 2 with or without anosmia; Osteoglophonic dysplasia; Trigonocephaly 1; Encephalocraniocutaneous lipomatosis; Hartsfield-Bixler-Demyer syndrome. Last evaluated: 2024-05-29. Review status: criteria provided, single submitter. Criteria: ACMG Guidelines, 2015. Collection method: clinical testing. Allele origin: germline.

Blueprint Genetics
Classification: Uncertain significance. Last evaluated: 2018-09-05. Review status: criteria provided, single submitter. Criteria: ACMG Guidelines, 2015. Collection method: clinical testing. Allele origin: germline.